The following is an entry in ClinVar:

NM_017654.4(SAMD9):c.4462A>G (p.Arg1488Gly)

Gene: SAMD9 (sterile alpha motif domain containing 9; minus strand). Cytogenetic location: 7q21.2.
Variant type: single nucleotide variant.
Coding change: c.4462A>G on transcript NM_017654.4 (MANE Select); coding-DNA position 4462, A replaced by G.
Protein change: p.Arg1488Gly; replaces arginine 1488 with glycine.
Molecular consequence: missense variant.
Genome position (GRCh38, 1-based): chr7:93,101,636, T>C on the plus strand (A>G on the coding strand, the complement: SAMD9 is on the minus strand). VCF-style: chr7-93101636-T-C. GRCh37 (hg19) VCF-style: chr7-92730949-T-C.
Other names: c.4462A>G, p.Arg1488Gly (NM_001193307.2); short protein forms R1488G.
Identifiers: ClinVar variation 4863807 (VCV004863807.1).
Genomic context (GRCh38, chr7:93,101,636, plus strand): 5'-TATCTGGTGTCTTCTTAAAGCACTGGTCAATTTTTCCTTTGTGAACAAGTCTTTCCAGTC[T>C]TTTACCTTTTCCAAGAAAGAAATATGCAATTGGTTGCTTTGTACGATGCATATGTTTATA-3'
Protein context (NP_060124.2, residues 1478-1498): IAYFFLGKGK[Arg1488Gly]LERLVHKGKI

ClinVar aggregate classification (germline): Uncertain significance (1 of 4 stars; one submission).

Conditions:
Inborn genetic diseases. Identifiers: MedGen C0950123, MeSH D030342.

Submission:

Ambry Genetics
Classification: Uncertain significance for Inborn genetic diseases. Last evaluated: 2026-04-11. Review status: criteria provided, single submitter. Criteria: Ambry Variant Classification Scheme 2023. Collection method: clinical testing. Allele origin: germline.
Comment: The p.R1488G variant (also known as c.4462A>G), located in coding exon 1 of the SAMD9 gene, results from an A to G substitution at nucleotide position 4462. The arginine at codon 1488 is replaced by glycine, an amino acid with dissimilar properties. This amino acid position is conserved. In addition, this alteration is predicted to be tolerated by in silico analysis. Based on the available evidence, the clinical significance of this variant remains unclear.